The following is an entry in ClinVar:

NM_024027.5(COLEC11):c.496G>A (p.Ala166Thr)

Gene: COLEC11 (collectin subfamily member 11; plus strand). Cytogenetic location: 2p25.3.
Variant type: single nucleotide variant.
Coding change: c.496G>A on transcript NM_024027.5 (MANE Select); coding-DNA position 496, G replaced by A.
Protein change: p.Ala166Thr; replaces alanine 166 with threonine.
Molecular consequence: missense variant. On other transcripts: non-coding transcript variant (1).
Genome position (GRCh38, 1-based): chr2:3,643,798, G>A. VCF-style: chr2-3643798-G-A. GRCh37 (hg19) VCF-style: chr2-3691388-G-A.
Other names: c.424G>A, p.Ala142Thr (NM_001255982.2, NM_001255983.2); c.352G>A, p.Ala118Thr (NM_001255984.2); c.538G>A, p.Ala180Thr (NM_001255985.1); c.418G>A, p.Ala140Thr (NM_001255986.1); c.346G>A, p.Ala116Thr (NM_001255987.1, NM_001255988.1); c.274G>A, p.Ala92Thr (NM_001255989.1); c.487G>A, p.Ala163Thr (NM_199235.3); short protein forms A116T, A118T, A140T, A142T, A163T, A166T, A180T, A92T.
Identifiers: ClinVar variation 3901920 (VCV003901920.1).

ClinVar aggregate classification (germline): Uncertain significance (1 of 4 stars; one submission).

Conditions:
3MC syndrome 2. Also called: OCULO-SKELETAL-ABDOMINAL SYNDROME; OSA SYNDROME; PTOSIS OF EYELIDS WITH DIASTASIS RECTI AND HIP DYSPLASIA. Identifiers: Orphanet 293843, MedGen C0796279, MONDO:0009927, OMIM 265050.

gnomAD v4.1: 3 of 1,613,526 alleles (0.00019%); highest among the groups gnomAD compares: Non-Finnish European, 0.00025%; no homozygotes.

Submission:

Laboratorio de Genetica e Diagnostico Molecular, Hospital Israelita Albert Einstein
Classification: Uncertain significance for 3MC syndrome 2. Last evaluated: 2024-08-26. Review status: criteria provided, single submitter. Criteria: ACMG Guidelines, 2015. Collection method: clinical testing. Allele origin: germline. Affected: yes.
Comment: ACMG classification criteria: PM2 supporting